The following is an entry in ClinVar:

NM_002972.4(SBF1):c.3317C>T (p.Pro1106Leu)

Gene: SBF1 (SET binding factor 1; minus strand). Cytogenetic location: 22q13.33.
Variant type: single nucleotide variant.
Coding change: c.3317C>T on transcript NM_002972.4 (MANE Select); coding-DNA position 3317, C replaced by T.
Protein change: p.Pro1106Leu; replaces proline 1106 with leucine.
Molecular consequence: missense variant.
Genome position (GRCh38, 1-based): chr22:50,460,126, G>A on the plus strand (C>T on the coding strand, the complement: SBF1 is on the minus strand). VCF-style: chr22-50460126-G-A. GRCh37 (hg19) VCF-style: chr22-50898555-G-A.
Other names: c.3320C>T, p.Pro1107Leu (NM_001365819.1, NM_001410794.1); c.3317C>T, p.Pro1106Leu (NM_001410795.1, NM_197971.1); c.3317C>T (NM_002972.2); short protein forms P1106L, P1107L.
Identifiers: ClinVar variation 2421621 (VCV002421621.6), dbSNP rs368716467, ClinGen allele CA10316755.
Genomic context (GRCh38, chr22:50,460,126, plus strand): 5'-CAAGCCCTTTCCACCAGGCTGCTCATGGTCATGCGGTCGGAGGGCTTCAGGGCTGAGGAC[G>A]GGGTCAGCGTGCTGGGCTCCAGCTCCTCCGACACTGCACAGGCCGGGCACACGTGGTCAT-3'
Protein context (NP_002963.2, residues 1096-1116): SEELEPSTLT[Pro1106Leu]SSALKPSDRM

ClinVar aggregate classification (germline): Uncertain significance. Review status: criteria provided, multiple submitters, no conflicts (2 of 4 stars). 3 submissions from 3 submitters: Uncertain significance (3). Last evaluated 2025-06-18.

Allele frequency attached by ClinVar (database versions not stated): gnomAD 0.00001; ExAC 0.00002; TOPMed 0.00002; ESP Exome Variant Server 0.00008.
gnomAD v4.1: 43 of 1,612,658 alleles (0.0027%); highest among the groups gnomAD compares: Middle Eastern, 0.12%; no homozygotes.

Submissions (3):

Ambry Genetics
Classification: Uncertain significance. Last evaluated: 2025-06-18. Review status: criteria provided, single submitter. Criteria: Ambry Variant Classification Scheme 2023. Collection method: clinical testing. Allele origin: germline.

Labcorp Genetics (formerly Invitae), Labcorp
Classification: Uncertain significance. Last evaluated: 2025-04-14. Review status: criteria provided, single submitter. Criteria: Invitae Variant Classification Sherloc (09022015). Collection method: clinical testing. Allele origin: germline.
Comment: This sequence change replaces proline, which is neutral and non-polar, with leucine, which is neutral and non-polar, at codon 1106 of the SBF1 protein (p.Pro1106Leu). This variant is present in population databases (rs368716467, gnomAD 0.006%). This variant has not been reported in the literature in individuals affected with SBF1-related conditions. ClinVar contains an entry for this variant (Variation ID: 2421621). Invitae Evidence Modeling of protein sequence and biophysical properties (such as structural, functional, and spatial information, amino acid conservation, physicochemical variation, residue mobility, and thermodynamic stability) indicates that this missense variant is not expected to disrupt SBF1 protein function with a negative predictive value of 80%. In summary, the available evidence is currently insufficient to determine the role of this variant in disease. Therefore, it has been classified as a Variant of Uncertain Significance.

Women's Health and Genetics/Laboratory Corporation of America, LabCorp
Classification: Uncertain significance. Last evaluated: 2025-02-05. Review status: criteria provided, single submitter. Criteria: LabCorp Variant Classification Summary - May 2015. Collection method: clinical testing. Allele origin: germline.
Comment: Variant summary: SBF1 c.3317C>T (p.Pro1106Leu) results in a non-conservative amino acid change in the encoded protein sequence. Three of five in-silico tools predict a benign effect of the variant on protein function. The variant allele was found at a frequency of 2.4e-05 in 248850 control chromosomes. The available data on variant occurrences in the general population are insufficient to allow any conclusion about variant significance. To our knowledge, no occurrence of c.3317C>T in individuals affected with Charcot-Marie-Tooth disease type 4B3 and no experimental evidence demonstrating its impact on protein function have been reported. ClinVar contains an entry for this variant (Variation ID: 2421621). Based on the evidence outlined above, the variant was classified as uncertain significance.